The following is an entry in ClinVar:

NM_014855.3(AP5Z1):c.773C>T (p.Pro258Leu)

Gene: AP5Z1 (adaptor related protein complex 5 subunit zeta 1; plus strand). Cytogenetic location: 7p22.1.
Variant type: single nucleotide variant.
Coding change: c.773C>T on transcript NM_014855.3 (MANE Select); coding-DNA position 773, C replaced by T.
Protein change: p.Pro258Leu; replaces proline 258 with leucine.
Molecular consequence: missense variant. On other transcripts: non-coding transcript variant (1).
Genome position (GRCh38, 1-based): chr7:4,784,354, C>T. VCF-style: chr7-4784354-C-T. GRCh37 (hg19) VCF-style: chr7-4823985-C-T.
Other names: c.305C>T, p.Pro102Leu (NM_001364858.1); short protein forms P258L, P102L.
Identifiers: ClinVar variation 2509819 (VCV002509819.3), dbSNP rs370552243, ClinGen allele CA4137354.

ClinVar aggregate classification (germline): Conflicting classifications of pathogenicity. Review status: criteria provided, conflicting classifications (1 of 4 stars). 2 submissions from 2 submitters: Uncertain significance (1); Likely benign (1). Last evaluated 2023-05-24.

Conditions:
Inborn genetic diseases. Identifiers: MedGen C0950123, MeSH D030342.

Allele frequency attached by ClinVar (database versions not stated): gnomAD exomes 0.00003; ExAC 0.00014; ESP Exome Variant Server 0.00017; 1000 Genomes Project 0.00020; gnomAD 0.00021; 1000 Genomes Project 30x 0.00031.
gnomAD v4.1: 67 of 1,473,134 alleles (0.0045%); highest among the groups gnomAD compares: African/African-American, 0.06%; no homozygotes.

Submissions (2):

Ambry Genetics
Classification: Likely benign for Inborn genetic diseases. Last evaluated: 2023-05-24. Review status: criteria provided, single submitter. Criteria: Ambry Variant Classification Scheme 2023. Collection method: clinical testing. Allele origin: germline.

GeneDx
Classification: Uncertain significance. Last evaluated: 2023-01-10. Review status: criteria provided, single submitter. Criteria: GeneDx Variant Classification Process June 2021. Collection method: clinical testing. Allele origin: germline. Affected: yes.
Comment: In silico analysis supports that this missense variant does not alter protein structure/function; Has not been previously published as pathogenic or benign to our knowledge